The following is an entry in ClinVar:

NM_001029883.3(PCARE):c.*3041A>G

Gene: PCARE (photoreceptor cilium actin regulator; minus strand). Cytogenetic location: 2p23.2.
Variant type: single nucleotide variant.
Coding change: c.*3041A>G on transcript NM_001029883.3 (MANE Select); 3041 bases downstream of the stop codon, A replaced by G.
Molecular consequence: 3 prime UTR variant.
Genome position (GRCh38, 1-based): chr2:29,061,828, T>C on the plus strand (A>G on the coding strand, the complement: PCARE is on the minus strand). VCF-style: chr2-29061828-T-C. GRCh37 (hg19) VCF-style: chr2-29284694-T-C.
Identifiers: ClinVar variation 895713 (VCV000895713.4), dbSNP rs17007522, ClinGen allele CA16092883.
Genomic context (GRCh38, chr2:29,061,828, plus strand): 5'-TGGGCAAAGGAAGTGGATTTGGCCCAGCAAGGATACCATTCTTGGGTAGAAGGGAGATGG[T>C]GGGCGTGAGCAGCCCTTGTCTGAGAAGCTGTACAGCTGGGTTTGCCCCTCCTGCCACCAG-3'

ClinVar aggregate classification (germline): Likely benign (1 of 4 stars; one submission).

Conditions:
Retinitis pigmentosa (RP). Identifiers: Orphanet 791, MedGen C0035334, MeSH D012174, MONDO:0019200, OMIM 268000. Inheritance: Autosomal dominant, autosomal recessive and X linked inheritance.

Allele frequency attached by ClinVar (database versions not stated): gnomAD 0.02034 and 0.02184; TOPMed 0.02258; 1000 Genomes Project 0.02376; 1000 Genomes Project 30x 0.02420.

Submission:

Illumina Laboratory Services, Illumina
Classification: Likely benign for Retinitis pigmentosa. Last evaluated: 2018-01-13. Review status: criteria provided, single submitter. Criteria: ICSL Variant Classification Criteria 13 December 2019. Collection method: clinical testing. Allele origin: germline.
Comment: This variant was observed in the ICSL laboratory as part of a predisposition screen in an ostensibly healthy population. It had not been previously curated by ICSL or reported in the Human Gene Mutation Database (HGMD: prior to June 1st, 2018), and was therefore a candidate for classification through an automated scoring system. Utilizing variant allele frequency, disease prevalence and penetrance estimates, and inheritance mode, an automated score was calculated to assess if this variant is too frequent to cause the disease. Based on the score and internal cut-off values, a variant classified as likely benign is not then subjected to further curation. The score for this variant resulted in a classification of likely benign for this disease.